The following is an entry in ClinVar:

ClinVar aggregate classification (germline): Uncertain significance (1 of 4 stars; one submission).

Conditions:
Jeune thoracic dystrophy. Also called: Jeune syndrome; Infantile thoracic dystrophy; Thoracic pelvic phalangeal dystrophy; Jeune's syndrome; Chondroectodermal dysplasia-like syndrome; Short-rib thoracic dysplasia. Identifiers: Orphanet 474, MedGen C0265275, MONDO:0018770.

Submission:

Labcorp Genetics (formerly Invitae), Labcorp
Classification: Uncertain significance for Jeune thoracic dystrophy. Last evaluated: 2019-10-01. Review status: criteria provided, single submitter. Criteria: Invitae Variant Classification Sherloc (09022015). Collection method: clinical testing. Allele origin: germline.
Comment: In summary, the available evidence is currently insufficient to determine the role of this variant in disease. Therefore, it has been classified as a Variant of Uncertain Significance. This sequence change replaces glutamine with arginine at codon 319 of the IFT80 protein (p.Gln319Arg). The glutamine residue is highly conserved and there is a small physicochemical difference between glutamine and arginine. This variant is not present in population databases (ExAC no frequency). This variant has not been reported in the literature in individuals with IFT80-related conditions. Algorithms developed to predict the effect of missense changes on protein structure and function (SIFT, PolyPhen-2, Align-GVGD) all suggest that this variant is likely to be tolerated, but these predictions have not been confirmed by published functional studies and their clinical significance is uncertain. Algorithms developed to predict the effect of sequence changes on RNA splicing suggest that this variant may disrupt the consensus splice site, but this prediction has not been confirmed by published transcriptional studies.

NM_020800.3(IFT80):c.956A>G (p.Gln319Arg)

Genes: IFT80 (intraflagellar transport 80; minus strand), TRIM59-IFT80 (TRIM59-IFT80 readthrough (NMD candidate); minus strand). Cytogenetic location: 3q25.33.
Variant type: single nucleotide variant.
Coding change: c.956A>G on transcript NM_020800.3 (MANE Select); coding-DNA position 956, A replaced by G.
Protein change: p.Gln319Arg; replaces glutamine 319 with arginine.
Molecular consequence: missense variant. On other transcripts: non-coding transcript variant (3).
Genome position (GRCh38, 1-based): chr3:160,319,761, T>C on the plus strand (A>G on the coding strand, the complement: IFT80 is on the minus strand). VCF-style: chr3-160319761-T-C. GRCh37 (hg19) VCF-style: chr3-160037549-T-C.
Other names: c.545A>G, p.Gln182Arg (NM_001190241.2, NM_001190242.2); short protein forms Q319R, Q182R.
Identifiers: ClinVar variation 933969 (VCV000933969.9), dbSNP rs1718070086, ClinGen allele CA355195318.